The following is an entry in ClinVar:

NM_001267550.2(TTN):c.96129_96136delinsGGG (p.Pro32044fs)

Genes: TTN-AS1 (TTN antisense RNA 1; plus strand), TTN (titin; minus strand), LOC126806421 (CDK7 strongly-dependent group 2 enhancer GRCh37_chr2:179407630-179408829; plus strand). Cytogenetic location: 2q31.2.
Variant type: Indel.
Coding change: c.96129_96136delinsGGG on transcript NM_001267550.2 (MANE Select); coding-DNA positions 96129 to 96136, TCCTGTCA replaced by GGG.
Protein change: p.Pro32044fs; shifts the reading frame from proline 32044.
Molecular consequence: frameshift variant.
Genome position (GRCh38, 1-based): chr2:178,544,008-178,544,015, TGACAGGA replaced by CCC on the plus strand (TCCTGTCA replaced by GGG on the coding strand, the reverse complement: TTN is on the minus strand). VCF-style: chr2-178544008-TGACAGGA-CCC. GRCh37 (hg19) VCF-style: chr2-179408735-TGACAGGA-CCC.
Other names: c.96129_96137delinsGGGT (NM_001267550.2); c.91206_91213delinsGGG, p.Pro30403fs (NM_001256850.1); c.68934_68941delinsGGG, p.Pro22979fs (NM_003319.4); c.88425_88432delinsGGG, p.Pro29476fs (NM_133378.4); c.69309_69316delinsGGG, p.Pro23104fs (NM_133432.3); c.69510_69517delinsGGG, p.Pro23171fs (NM_133437.4); short protein forms P22979fs, P23104fs, P23171fs, P29476fs, P30403fs, P32044fs.
Identifiers: ClinVar variation 3382295 (VCV003382295.2).
Genomic context (GRCh38, chr2:178,544,008, plus strand): 5'-TCTCAGTGGTGTCAATAATTGCCCGGCTTGCAAGGTCAATGCCCTGCTTGCTCCACGTTA[TGACAGGA>CCC]GGTGGTCTTCCAGATACAGACACCATCAAGCGCAAGGAGGCCCCAGCCCTGATGGTCACA-3'

ClinVar aggregate classification (germline): Likely pathogenic (1 of 4 stars; one submission).

Conditions:
Dilated cardiomyopathy 1G (CMD1G). Identifiers: Orphanet 154, MedGen C1858763, MONDO:0011400, OMIM 604145.

Submission:

Juno Genomics, Hangzhou Juno Genomics, Inc
Classification: Likely pathogenic for Dilated cardiomyopathy 1G. Review status: criteria provided, single submitter. Criteria: ACMG Guidelines, 2015. Collection method: clinical testing. Allele origin: germline. Affected: yes.
Comment: Absent from controls (or at extremely low frequency if recessive) in Genome Aggregation Database, Exome Sequencing Project, 1000 Genomes Project, or Exome Aggregation Consortium.;Null variant in a gene where loss of function (LOF) is a known mechanism of disease.